The following is an entry in ClinVar:

ClinVar aggregate classification (germline): Uncertain significance. Review status: criteria provided, multiple submitters, no conflicts (2 of 4 stars). 3 submissions from 3 submitters: Uncertain significance (3). Last evaluated 2025-10-23.

Conditions:
Hereditary cancer-predisposing syndrome. Also called: Hereditary neoplastic syndrome; Neoplastic Syndromes, Hereditary; Hereditary Cancer Syndrome; Tumor predisposition. Identifiers: Orphanet 140162, MedGen C0027672, MeSH D009386, MONDO:0015356.
Familial cancer of breast. Also called: BREAST CANCER, FAMILIAL; Hereditary breast cancer; hereditary breast carcinoma. Identifiers: Orphanet 227535, MedGen C0346153, MONDO:0016419, OMIM 114480. Disease mechanism: loss of function.

Allele frequency attached by ClinVar (database versions not stated): gnomAD exomes below 0.00001; ExAC 0.00001.
gnomAD v4.1: 2 of 1,611,664 alleles (0.00012%); highest among the groups gnomAD compares: South Asian, 0.0022%; no homozygotes.

Submissions (3):

Labcorp Genetics (formerly Invitae), Labcorp
Classification: Uncertain significance for Familial cancer of breast. Last evaluated: 2025-10-23. Review status: criteria provided, single submitter. Criteria: Invitae Variant Classification Sherloc (09022015). Collection method: clinical testing. Allele origin: germline.
Comment: This sequence change replaces valine, which is neutral and non-polar, with aspartic acid, which is acidic and polar, at codon 451 of the CHEK2 protein (p.Val451Asp). This variant is not present in population databases (gnomAD no frequency). This variant has not been reported in the literature in individuals affected with CHEK2-related conditions. ClinVar contains an entry for this variant (Variation ID: 530063). An algorithm developed to predict the effect of missense changes on protein structure and function (PolyPhen-2) suggests that this variant is likely to be tolerated. In summary, the available evidence is currently insufficient to determine the role of this variant in disease. Therefore, it has been classified as a Variant of Uncertain Significance.

Ambry Genetics
Classification: Uncertain significance for Hereditary cancer-predisposing syndrome. Last evaluated: 2025-07-04. Review status: criteria provided, single submitter. Criteria: Ambry Variant Classification Scheme 2023. Collection method: clinical testing. Allele origin: germline.
Comment: The p.V451D variant (also known as c.1352T>A), located in coding exon 11 of the CHEK2 gene, results from a T to A substitution at nucleotide position 1352. The valine at codon 451 is replaced by aspartic acid, an amino acid with highly dissimilar properties. This amino acid position is conserved. In addition, this alteration is predicted to be tolerated by in silico analysis. Since supporting evidence is limited at this time, the clinical significance of this alteration remains unclear.

Color Diagnostics, LLC DBA Color Health
Classification: Uncertain significance for Hereditary cancer-predisposing syndrome. Last evaluated: 2021-07-08. Review status: criteria provided, single submitter. Criteria: ACMG Guidelines, 2015. Collection method: clinical testing. Allele origin: germline.
Comment: This missense variant replaces valine with aspartic acid at codon 451 of the CHEK2 protein. Computational prediction suggests that this variant may not impact protein structure and function (internally defined REVEL score threshold <= 0.5, PMID: 27666373). To our knowledge, functional studies have not been reported for this variant. This variant has not been reported in individuals affected with hereditary cancer in the literature. This variant has not been identified in the general population by the Genome Aggregation Database (gnomAD). The available evidence is insufficient to determine the role of this variant in disease conclusively. Therefore, this variant is classified as a Variant of Uncertain Significance.

NM_007194.4(CHEK2):c.1352T>A (p.Val451Asp)

Gene: CHEK2 (checkpoint kinase 2; minus strand). Cytogenetic location: 22q12.1.
Variant type: single nucleotide variant.
Coding change: c.1352T>A on transcript NM_007194.4 (MANE Select); coding-DNA position 1352, T replaced by A.
Protein change: p.Val451Asp; replaces valine 451 with aspartic acid.
Molecular consequence: missense variant.
Genome position (GRCh38, 1-based): chr22:28,695,150, A>T on the plus strand (T>A on the coding strand, the complement: CHEK2 is on the minus strand). VCF-style: chr22-28695150-A-T. GRCh37 (hg19) VCF-style: chr22-29091138-A-T.
Other names: c.1481T>A, p.Val494Asp (NM_001005735.3); c.689T>A, p.Val230Asp (NM_001257387.3); c.1151T>A, p.Val384Asp (NM_001349956.3); c.1265T>A, p.Val422Asp (NM_145862.3); short protein forms V451D, V230D, V422D, V384D, V494D.
Identifiers: ClinVar variation 530063 (VCV000530063.15), dbSNP rs139088611, ClinGen allele CA10167676.